The following is an entry in ClinVar:

NM_000320.3(QDPR):c.504C>G (p.Asn168Lys)

Gene: QDPR (quinoid dihydropteridine reductase; minus strand). Cytogenetic location: 4p15.32.
Variant type: single nucleotide variant.
Coding change: c.504C>G on transcript NM_000320.3 (MANE Select); coding-DNA position 504, C replaced by G.
Protein change: p.Asn168Lys; replaces asparagine 168 with lysine.
Molecular consequence: missense variant.
Genome position (GRCh38, 1-based): chr4:17,492,273, G>C on the plus strand (C>G on the coding strand, the complement: QDPR is on the minus strand). VCF-style: chr4-17492273-G-C. GRCh37 (hg19) VCF-style: chr4-17493896-G-C.
Other names: c.504C>G (NM_000320.2); c.411C>G, p.Asn137Lys (NM_001306140.2); short protein forms N137K, N168K.
Identifiers: ClinVar variation 1359841 (VCV001359841.6), dbSNP rs767223209, ClinGen allele CA92593599.
Genomic context (GRCh38, chr4:17,492,273, plus strand): 5'-GGGAACCCCAAGCACTTACGGGAGCACAGCGATGGCGGCTGCCCCGGGCGGCATGCCGCT[G>C]TTCTTCCCAGCCAGGCTCTGGCAGAGCTGGTGAACAGCACCCTTGGCCATGCCGTACCCG-3'
Protein context (NP_000311.2, residues 158-178): HQLCQSLAGK[Asn168Lys]SGMPPGAAAI

ClinVar aggregate classification (germline): Uncertain significance. Review status: criteria provided, multiple submitters, no conflicts (2 of 4 stars). 2 submissions from 2 submitters: Uncertain significance (2). Last evaluated 2025-05-14.

Conditions:
Dihydropteridine reductase deficiency (HPABH4C). Also called: DHPR DEFICIENCY; BH4-Deficient Hyperphenylalaninemia C; Hyperphenylalaninemia due to dihydropteridine reductase deficiency; Hyperphenylalaninemia, BH-4-deficient, C; Phenylketonuria type 2; HYPERPHENYLALANINEMIA, TETRAHYDROBIOPTERIN-DEFICIENT, DUE TO DHPR DEFICIENCY. Identifiers: Orphanet 226, Orphanet 238583, MedGen C0268465, MONDO:0009862, OMIM 261630.
Inborn genetic diseases. Identifiers: MedGen C0950123, MeSH D030342.

Allele frequency attached by ClinVar (database versions not stated): gnomAD 0.00002 and 0.00004; TOPMed 0.00003.
gnomAD v4.1: 20 of 1,614,056 alleles (0.0012%); highest among the groups gnomAD compares: Non-Finnish European, 0.0016%; no homozygotes.

Submissions (2):

Ambry Genetics
Classification: Uncertain significance for Inborn genetic diseases. Last evaluated: 2025-05-14. Review status: criteria provided, single submitter. Criteria: Ambry Variant Classification Scheme 2023. Collection method: clinical testing. Allele origin: germline.

Labcorp Genetics (formerly Invitae), Labcorp
Classification: Uncertain significance for Dihydropteridine reductase deficiency. Last evaluated: 2022-08-12. Review status: criteria provided, single submitter. Criteria: Invitae Variant Classification Sherloc (09022015). Collection method: clinical testing. Allele origin: germline.
Comment: This sequence change replaces asparagine, which is neutral and polar, with lysine, which is basic and polar, at codon 168 of the QDPR protein (p.Asn168Lys). This variant is present in population databases (rs767223209, gnomAD 0.002%). This variant has not been reported in the literature in individuals affected with QDPR-related conditions. ClinVar contains an entry for this variant (Variation ID: 1359841). Algorithms developed to predict the effect of missense changes on protein structure and function (SIFT, PolyPhen-2, Align-GVGD) all suggest that this variant is likely to be tolerated. In summary, the available evidence is currently insufficient to determine the role of this variant in disease. Therefore, it has been classified as a Variant of Uncertain Significance.